The following is an entry in ClinVar:

NM_016529.6(ATP8A2):c.3361dup (p.Asp1121fs)

Gene: ATP8A2 (ATPase phospholipid transporting 8A2). Cytogenetic location: 13q12.13.
Variant type: Duplication.
Coding change: c.3361dup on transcript NM_016529.6 (MANE Select); coding-DNA position 3361, one base duplicated.
Protein change: p.Asp1121fs; shifts the reading frame from aspartic acid 1121.
Molecular consequence: frameshift variant.
Genome position: GRCh38 VCF-style: chr13-25968660-C-CG. GRCh37 (hg19) VCF-style: chr13-26542798-C-CG.
Other names: c.3166dup, p.Asp1056fs (NM_001313741.1); c.3286dup, p.Asp1096Glyfs (NM_001411005.1); short protein forms D1056fs, D1121fs.
Identifiers: ClinVar variation 1965531 (VCV001965531.5), dbSNP rs1265035795, ClinGen allele CA608704611.
Genomic context (GRCh38, chr13:25,968,660, plus strand): 5'-TTGCTGGAGGAGGTGCAGGAGCTGGAAACCAAGTCTCGAGTCCTGGGAAAAGCGGTGCTG[C>CG]GGGATAGCAATGGAAAGAGGTGGGGAACTCCGTCCCAGTCCGCACAGAACACAGGTGCTC-3'

ClinVar aggregate classification (germline): Pathogenic (1 of 4 stars; one submission).

Submission:

Labcorp Genetics (formerly Invitae), Labcorp
Classification: Pathogenic. Last evaluated: 2023-08-04. Review status: criteria provided, single submitter. Criteria: Invitae Variant Classification Sherloc (09022015). Collection method: clinical testing. Allele origin: germline.
Comment: This sequence change creates a premature translational stop signal (p.Asp1121Glyfs*2) in the ATP8A2 gene. It is expected to result in an absent or disrupted protein product. Loss-of-function variants in ATP8A2 are known to be pathogenic (PMID: 28454995, 29531481). This variant is present in population databases (no rsID available, gnomAD 0.003%). This variant has not been reported in the literature in individuals affected with ATP8A2-related conditions. ClinVar contains an entry for this variant (Variation ID: 1965531). Algorithms developed to predict the effect of sequence changes on RNA splicing suggest that this variant may disrupt the consensus splice site. For these reasons, this variant has been classified as Pathogenic.

Literature cited by the submitters: PubMed 28454995; PubMed 29531481.